The following is an entry in ClinVar:

ClinVar aggregate classification (germline): Likely benign (0 of 4 stars; one submission).

Conditions:
DROSHA-related disorder. Also called: DROSHA-related condition.

Submission:

PreventionGenetics, part of Exact Sciences
Classification: Likely benign for DROSHA-related condition. Last evaluated: 2024-06-13. Review status: no assertion criteria provided. Collection method: clinical testing. Allele origin: germline.
Comment: This variant is classified as likely benign based on ACMG/AMP sequence variant interpretation guidelines (Richards et al. 2015 PMID: 25741868, with internal and published modifications).

NM_001382508.1(DROSHA):c.3948-9A>C

Gene: DROSHA (drosha ribonuclease III; minus strand). Cytogenetic location: 5p13.3.
Variant type: single nucleotide variant.
Coding change: c.3948-9A>C on transcript NM_001382508.1 (MANE Select); 9 bases into the intron before coding-DNA position 3948, A replaced by C.
Molecular consequence: intron variant.
Genome position (GRCh38, 1-based): chr5:31,405,732, T>G on the plus strand (A>C on the coding strand, the complement: DROSHA is on the minus strand). VCF-style: chr5-31405732-T-G. GRCh37 (hg19) VCF-style: chr5-31405839-T-G.
Other names: c.3948-9A>C (NM_013235.5); c.3837-9A>C (NM_001100412.2).
Identifiers: ClinVar variation 3354411 (VCV003354411.1).